The following is an entry in ClinVar:

ClinVar aggregate classification (germline): Pathogenic (1 of 4 stars; one submission).

Submission:

Quest Diagnostics Nichols Institute San Juan Capistrano
Classification: Pathogenic. Last evaluated: 2024-04-26. Review status: criteria provided, single submitter. Criteria: ACMG/ClinGen CNV Guidelines, 2019. Collection method: clinical testing. Allele origin: unknown.
Comment: This loss involves multiple exons (NM_000833.5) of the 5' portion of GRIN2A (OMIM 138253). Haploinsufficiency of GRIN2A (HGNC:4585) is associated with autosomal dominant focal epilepsy and speech disorder with or without impaired intellectual development (OMIM 245570; Dimassi 2015, Lemke 2013, Strehlow 2019). There are no similar copy number losses of this region in the general populations of the Database of Genomic Variants. Thus, based on current medical literature, this copy number variant (CNV) is classified as pathogenic. References: Dimassi et al., Appl Transl Genom. 2015 Oct 17:7:19-25. PMID: 27054081; Lemke et al., Nat Genet. 2013 Sep;45(9):1067-72. PMID: 23933819; Strehlow et al., Brain. 2019 Jan 1;142(1):80-92. PMID: 30544257

GRCh37/hg19 16p13.2(chr16:10134382-10293097)x1

Gene: GRIN2A (glutamate ionotropic receptor NMDA type subunit 2A; minus strand). Cytogenetic location: 16p13.2.
Variant type: copy number loss.
Change: copy number 1 (one copy instead of two) of chr16:10,134,382-10,293,097 (158.7 kb, GRCh37 coordinates, 1-based), cytogenetic band 16p13.2.
Identifiers: ClinVar variation 3391929 (VCV003391929.1).